The following is an entry in ClinVar:

ClinVar aggregate classification (germline): Uncertain significance (1 of 4 stars; one submission).

Conditions:
RAI1-related disorder. Also called: RAI1-related condition.

Submission:

PreventionGenetics, part of Exact Sciences
Classification: Uncertain significance for RAI1-related condition. Last evaluated: 2025-06-19. Review status: criteria provided, single submitter. Criteria: ACMG Guidelines, 2015. Collection method: clinical testing. Allele origin: germline.
Comment: The RAI1 c.4583A>C variant is predicted to result in the amino acid substitution p.His1528Pro. To our knowledge, this variant has not been reported in the literature or in a large population database (gnomAD), indicating this variant is rare. At this time, the clinical significance of this variant is uncertain due to the absence of conclusive functional and genetic evidence.

NM_030665.4(RAI1):c.4583A>C (p.His1528Pro)

Gene: RAI1 (retinoic acid induced 1; plus strand). Cytogenetic location: 17p11.2.
Variant type: single nucleotide variant.
Coding change: c.4583A>C on transcript NM_030665.4 (MANE Select); coding-DNA position 4583, A replaced by C.
Protein change: p.His1528Pro; replaces histidine 1528 with proline.
Molecular consequence: missense variant.
Genome position (GRCh38, 1-based): chr17:17,797,531, A>C. VCF-style: chr17-17797531-A-C. GRCh37 (hg19) VCF-style: chr17-17700845-A-C.
Other names: short protein forms H1528P.
Identifiers: ClinVar variation 4997671 (VCV004997671.1).